The following is an entry in ClinVar:

ClinVar aggregate classification (germline): Pathogenic (1 of 4 stars; one submission).

Allele frequency attached by ClinVar (database versions not stated): gnomAD exomes below 0.00001.
gnomAD v4.1: 1 of 1,613,684 alleles (0.000062%); highest among the groups gnomAD compares: Non-Finnish European, 0.000085%; no homozygotes.

Submission:

Labcorp Genetics (formerly Invitae), Labcorp
Classification: Pathogenic. Last evaluated: 2023-10-25. Review status: criteria provided, single submitter. Criteria: Invitae Variant Classification Sherloc (09022015). Collection method: clinical testing. Allele origin: germline.
Comment: This sequence change creates a premature translational stop signal (p.Trp625*) in the SLC12A1 gene. It is expected to result in an absent or disrupted protein product. Loss-of-function variants in SLC12A1 are known to be pathogenic (PMID: 8640224, 9585600, 19096086). This variant is not present in population databases (gnomAD no frequency). This premature translational stop signal has been observed in individual(s) with Bartter syndrome (PMID: 9355073). For these reasons, this variant has been classified as Pathogenic.

Literature cited by the submitters: PubMed 8640224; PubMed 9585600; PubMed 19096086; PubMed 9355073.

NM_000338.3(SLC12A1):c.1874G>A (p.Trp625Ter)

Genes: SLC12A1 (solute carrier family 12 member 1; plus strand), LOC126862123 (CDK7 strongly-dependent group 2 enhancer GRCh37_chr15:48543423-48544622; plus strand). Cytogenetic location: 15q21.1.
Variant type: single nucleotide variant.
Coding change: c.1874G>A on transcript NM_000338.3 (MANE Select); coding-DNA position 1874, G replaced by A.
Protein change: p.Trp625Ter; replaces tryptophan 625 with a stop codon.
Molecular consequence: nonsense.
Genome position (GRCh38, 1-based): chr15:48,251,702, G>A. VCF-style: chr15-48251702-G-A. GRCh37 (hg19) VCF-style: chr15-48543899-G-A.
Other names: c.1874G>A, p.Trp625Ter (NM_001184832.2, NM_001384136.1); short protein forms W625*.
Identifiers: ClinVar variation 2785632 (VCV002785632.3), dbSNP rs2505099370, ClinGen allele CA392313580.